The following is an entry in ClinVar:

NM_017780.4(CHD7):c.3656G>A (p.Arg1219Gln)

Gene: CHD7 (chromodomain helicase DNA binding protein 7; plus strand). Cytogenetic location: 8q12.2.
Variant type: single nucleotide variant.
Coding change: c.3656G>A on transcript NM_017780.4 (MANE Select); coding-DNA position 3656, G replaced by A.
Protein change: p.Arg1219Gln; replaces arginine 1219 with glutamine.
Molecular consequence: missense variant. On other transcripts: intron variant (1).
Genome position (GRCh38, 1-based): chr8:60,830,455, G>A. VCF-style: chr8-60830455-G-A. GRCh37 (hg19) VCF-style: chr8-61743014-G-A.
Other names: c.1717-31774G>A (NM_001316690.1); c.3656G>A (NM_017780.2); short protein forms R1219Q.
Identifiers: ClinVar variation 1337736 (VCV001337736.5), dbSNP rs888026080, ClinGen allele CA177340209.

ClinVar aggregate classification (germline): Uncertain significance. Review status: criteria provided, multiple submitters, no conflicts (2 of 4 stars). 2 submissions from 2 submitters: Uncertain significance (2). Last evaluated 2023-06-22.

Allele frequency attached by ClinVar (database versions not stated): gnomAD exomes below 0.00001; TOPMed 0.00001.
gnomAD v4.1: 1 of 1,613,932 alleles (0.000062%); highest among the groups gnomAD compares: Non-Finnish European, 0.000085%; no homozygotes.

Submissions (2):

GeneDx
Classification: Uncertain significance. Last evaluated: 2023-06-22. Review status: criteria provided, single submitter. Criteria: GeneDx Variant Classification Process June 2021. Collection method: clinical testing. Allele origin: germline. Affected: yes.
Comment: Not observed at significant frequency in large population cohorts (gnomAD); In silico analysis supports that this missense variant has a deleterious effect on protein structure/function; Has not been previously published as pathogenic or benign to our knowledge

Genetic Services Laboratory, University of Chicago
Classification: Uncertain significance. Last evaluated: 2020-09-04. Review status: criteria provided, single submitter. Criteria: ACMG Guidelines, 2015. Collection method: clinical testing. Allele origin: germline. Affected: no.
Comment: DNA sequence analysis of the CHD7 gene demonstrated a sequence change, c.3656G>A, in exon 15 that results in an amino acid change, p.Arg1219Gln. This sequence change does not appear to have been previously described in patients with CHD7-related disorders. This sequence change is absent in gnomAD population database. The p.Arg1219Gln change affects a highly conserved amino acid residue located in a domain of the CHD7 protein that is known to be functional. The p.Arg1219Gln substitution appears to be deleterious using several in-silico pathogenicity prediction tools (SIFT, PolyPhen2, Align GVGD, REVEL). Due to these contrasting evidences and the lack of functional studies, the clinical significance of the p.Arg1219Gln change remains unknown at this time.